The following is an entry in ClinVar:

ClinVar aggregate classification (germline): Uncertain significance (1 of 4 stars; one submission).

Submission:

GeneDx
Classification: Uncertain significance. Last evaluated: 2022-02-18. Review status: criteria provided, single submitter. Criteria: GeneDx Variant Classification Process June 2021. Collection method: clinical testing. Allele origin: germline. Affected: yes.
Comment: Not observed at significant frequency in large population cohorts (gnomAD); In silico analysis supports that this missense variant has a deleterious effect on protein structure/function; Has not been previously published as pathogenic or benign to our knowledge

NM_016284.5(CNOT1):c.3403G>T (p.Val1135Phe)

Gene: CNOT1 (CCR4-NOT transcription complex subunit 1; minus strand). Cytogenetic location: 16q21.
Variant type: single nucleotide variant.
Coding change: c.3403G>T on transcript NM_016284.5 (MANE Select); coding-DNA position 3403, G replaced by T.
Protein change: p.Val1135Phe; replaces valine 1135 with phenylalanine.
Molecular consequence: missense variant. On other transcripts: non-coding transcript variant (1).
Genome position (GRCh38, 1-based): chr16:58,549,838, C>A on the plus strand (G>T on the coding strand, the complement: CNOT1 is on the minus strand). VCF-style: chr16-58549838-C-A. GRCh37 (hg19) VCF-style: chr16-58583742-C-A.
Other names: c.3388G>T, p.Val1130Phe (NM_001265612.2); c.3403G>T, p.Val1135Phe (NM_206999.3); short protein forms V1130F, V1135F.
Identifiers: ClinVar variation 1702840 (VCV001702840.2), dbSNP rs2151928423, ClinGen allele CA396172157.